The following is an entry in ClinVar:

ClinVar aggregate classification (germline): Uncertain significance (1 of 4 stars; one submission).

Submission:

Ambry Genetics
Classification: Uncertain significance. Last evaluated: 2024-12-13. Review status: criteria provided, single submitter. Criteria: Ambry Variant Classification Scheme 2023. Collection method: clinical testing. Allele origin: germline.
Comment: The p.H19Y variant (also known as c.55C>T), located in coding exon 2 of the RECQL gene, results from a C to T substitution at nucleotide position 55. The histidine at codon 19 is replaced by tyrosine, an amino acid with similar properties. This amino acid position is conserved. In addition, this alteration is predicted to be tolerated by in silico analysis. Based on the available evidence, the clinical significance of this variant remains unclear.

NM_002907.4(RECQL):c.55C>T (p.His19Tyr)

Gene: RECQL (RecQ like helicase; minus strand). Cytogenetic location: 12p12.1.
Variant type: single nucleotide variant.
Coding change: c.55C>T on transcript NM_002907.4 (MANE Select); coding-DNA position 55, C replaced by T.
Protein change: p.His19Tyr; replaces histidine 19 with tyrosine.
Molecular consequence: missense variant.
Genome position (GRCh38, 1-based): chr12:21,491,678, G>A on the plus strand (C>T on the coding strand, the complement: RECQL is on the minus strand). VCF-style: chr12-21491678-G-A. GRCh37 (hg19) VCF-style: chr12-21644612-G-A.
Other names: c.55C>T, p.His19Tyr (NM_032941.3); short protein forms H19Y.
Identifiers: ClinVar variation 3787902 (VCV003787902.1).